The following is an entry in ClinVar:

ClinVar aggregate classification (germline): Likely pathogenic. Review status: criteria provided, single submitter (1 of 4 stars). 2 submissions from 2 submitters: Likely pathogenic (1). 1 of the submissions does not count toward it. Last evaluated 2025-02-06.

Conditions:
Mucopolysaccharidosis, MPS-III-A (MPS3A). Also called: HEPARAN SULFATE SULFATASE DEFICIENCY; SANFILIPPO SYNDROME A; SULFAMIDASE DEFICIENCY; MUCOPOLYSACCHARIDOSIS, TYPE IIIA, ATTENUATED; Mucopolysaccharidosis, type IIIA; mucopolysaccharidosis type 3A. Identifiers: Orphanet 581, Orphanet 79269, MedGen C0086647, MONDO:0009655, OMIM 252900.

Submissions (2):

Labcorp Genetics (formerly Invitae), Labcorp
Classification: Likely pathogenic for Mucopolysaccharidosis, MPS-III-A. Last evaluated: 2025-02-06. Review status: criteria provided, single submitter. Criteria: Invitae Variant Classification Sherloc (09022015). Collection method: clinical testing. Allele origin: germline.
Comment: This sequence change replaces arginine, which is basic and polar, with serine, which is neutral and polar, at codon 74 of the SGSH protein (p.Arg74Ser). This variant is not present in population databases (gnomAD no frequency). This variant has not been reported in the literature in individuals affected with SGSH-related conditions. ClinVar contains an entry for this variant (Variation ID: 2446367). Invitae Evidence Modeling of protein sequence and biophysical properties (such as structural, functional, and spatial information, amino acid conservation, physicochemical variation, residue mobility, and thermodynamic stability) indicates that this missense variant is expected to disrupt SGSH protein function with a positive predictive value of 95%. This variant disrupts the p.Arg74 amino acid residue in SGSH. Other variant(s) that disrupt this residue have been determined to be pathogenic (PMID: 9285796, 9401012, 10601282, 15146460, 22976768, 28844463). This suggests that this residue is clinically significant, and that variants that disrupt this residue are likely to be disease-causing. In summary, the currently available evidence indicates that the variant is pathogenic, but additional data are needed to prove that conclusively. Therefore, this variant has been classified as Likely Pathogenic.

Molecular Biology Laboratory, Department of Zoology, Quaid-i-azam University
Classification: Pathogenic for Mucopolysaccharidosis, MPS-III-A. Review status: no assertion criteria provided. Collection method: research. Allele origin: inherited. Affected: yes. Not counted in ClinVar's aggregate classification.

Literature cited by the submitters: PubMed 9285796 (cited by Labcorp Genetics (formerly Invitae), Labcorp); PubMed 9401012 (cited by Labcorp Genetics (formerly Invitae), Labcorp); PubMed 10601282 (cited by Labcorp Genetics (formerly Invitae), Labcorp); PubMed 15146460 (cited by Labcorp Genetics (formerly Invitae), Labcorp); PubMed 22976768 (cited by Labcorp Genetics (formerly Invitae), Labcorp); PubMed 28844463 (cited by Labcorp Genetics (formerly Invitae), Labcorp).

NM_000199.5(SGSH):c.220C>A (p.Arg74Ser)

Gene: SGSH (N-sulfoglucosamine sulfohydrolase; minus strand). Cytogenetic location: 17q25.3.
Variant type: single nucleotide variant.
Coding change: c.220C>A on transcript NM_000199.5 (MANE Select); coding-DNA position 220, C replaced by A.
Protein change: p.Arg74Ser; replaces arginine 74 with serine.
Molecular consequence: missense variant. On other transcripts: non-coding transcript variant (1).
Genome position (GRCh38, 1-based): chr17:80,217,061, G>T on the plus strand (C>A on the coding strand, the complement: SGSH is on the minus strand). VCF-style: chr17-80217061-G-T. GRCh37 (hg19) VCF-style: chr17-78190860-G-T.
Other names: c.220C>A, p.Arg74Ser (NM_001352921.3, NM_001352922.2); short protein forms R74S.
Identifiers: ClinVar variation 2446367 (VCV002446367.3), dbSNP rs104894636, ClinGen allele CA401364151.
Genomic context (GRCh38, chr17:80,217,061, plus strand): 5'-CCACCCCCTCCTCCCGCCCCTTGCACCTCACCTGGGGCAGGCCAGTGAGGAGGCTGGCGC[G>T]GCTGGGAGAGCAGCTGCTGACCGAGGTGAAGGCATTGCGAAAGAGGAGGCTGCGGCGGGC-3'
Protein context (NP_000190.1, residues 64-84): FTSVSSCSPS[Arg74Ser]ASLLTGLPQH